The following is an entry in ClinVar:

GRCh37/hg19 2q33.1(chr2:200300787-200376343)x1

Gene: SATB2 (SATB homeobox 2; minus strand). Cytogenetic location: 2q33.1.
Variant type: copy number loss.
Change: copy number 1 (one copy instead of two) of chr2:200,300,787-200,376,343 (75.6 kb, GRCh37 coordinates, 1-based), cytogenetic band 2q33.1.
Identifiers: ClinVar variation 3391876 (VCV003391876.1).

ClinVar aggregate classification (germline): Pathogenic (1 of 4 stars; one submission).

Submission:

Quest Diagnostics Nichols Institute San Juan Capistrano
Classification: Pathogenic. Last evaluated: 2023-10-29. Review status: criteria provided, single submitter. Criteria: ACMG/ClinGen CNV Guidelines, 2019. Collection method: clinical testing. Allele origin: unknown.
Comment: This copy number loss of 2q33.1 involves several exons of the 5-prime portion of SATB2 (NM_015265.4; OMIM 608148). Haploinsufficiency of SATB2 (CCID:007802) is associated with SATB2-associated syndrome or Glass syndrome (OMIM 612313; Liu et al., Exp Ther Med. 2023 Jun 20;26(2):372. PMID: 37415841; Rosenfeld et al., PLoS One. 2009 Aug 10;4(8):e6568. PMID: 19668335; Zarate et al., GeneReviews [2024 Jun 20]. PMID: 29023086). Thus, this CNV is classified as pathogenic.